The following is an entry in ClinVar:

ClinVar aggregate classification (germline): Uncertain significance. Review status: criteria provided, multiple submitters, no conflicts (2 of 4 stars). 2 submissions from 2 submitters: Uncertain significance (2). Last evaluated 2024-08-27.

Conditions:
Inborn genetic diseases. Identifiers: MedGen C0950123, MeSH D030342.

Allele frequency attached by ClinVar (database versions not stated): gnomAD exomes below 0.00001; ExAC 0.00001; gnomAD 0.00001; TOPMed 0.00002; ESP Exome Variant Server 0.00008.
gnomAD v4.1: 4 of 1,614,100 alleles (0.00025%); highest among the groups gnomAD compares: African/African-American, 0.0053%; no homozygotes.

Submissions (2):

Ambry Genetics
Classification: Uncertain significance for Inborn genetic diseases. Last evaluated: 2024-08-27. Review status: criteria provided, single submitter. Criteria: Ambry Variant Classification Scheme 2023. Collection method: clinical testing. Allele origin: germline.

Labcorp Genetics (formerly Invitae), Labcorp
Classification: Uncertain significance. Last evaluated: 2024-02-02. Review status: criteria provided, single submitter. Criteria: Invitae Variant Classification Sherloc (09022015). Collection method: clinical testing. Allele origin: germline.
Comment: This sequence change replaces isoleucine, which is neutral and non-polar, with valine, which is neutral and non-polar, at codon 1635 of the TCF20 protein (p.Ile1635Val). This variant is present in population databases (rs368604405, gnomAD 0.008%). This variant has not been reported in the literature in individuals affected with TCF20-related conditions. An algorithm developed to predict the effect of missense changes on protein structure and function (PolyPhen-2) suggests that this variant is likely to be disruptive. In summary, the available evidence is currently insufficient to determine the role of this variant in disease. Therefore, it has been classified as a Variant of Uncertain Significance.

NM_001378418.1(TCF20):c.4903A>G (p.Ile1635Val)

Gene: TCF20 (transcription factor 20; minus strand). Cytogenetic location: 22q13.2.
Variant type: single nucleotide variant.
Coding change: c.4903A>G on transcript NM_001378418.1 (MANE Select); coding-DNA position 4903, A replaced by G.
Protein change: p.Ile1635Val; replaces isoleucine 1635 with valine.
Molecular consequence: missense variant.
Genome position (GRCh38, 1-based): chr22:42,210,403, T>C on the plus strand (A>G on the coding strand, the complement: TCF20 is on the minus strand). VCF-style: chr22-42210403-T-C. GRCh37 (hg19) VCF-style: chr22-42606409-T-C.
Other names: c.4903A>G (NM_005650.1); c.4903A>G, p.Ile1635Val (NM_005650.4, NM_181492.3); short protein forms I1635V.
Identifiers: ClinVar variation 2878996 (VCV002878996.4), dbSNP rs368604405, ClinGen allele CA10266568.
Genomic context (GRCh38, chr22:42,210,403, plus strand): 5'-CTTCCTCAGCATTGATGATTGTACAAACGGCTCCAAGTTCACACTTATTTACTACATGGA[T>C]GTAAGGGTAAAAAGACTTGTTCTTGGCATCAGTTTTATCCAGTGGCTGGGTGGCATATTT-3'
Protein context (NP_001365347.1, residues 1625-1645): DAKNKSFYPY[Ile1635Val]HVVNKCELGA